The following is an entry in ClinVar:

NM_004990.4(MARS1):c.2667A>C (p.Lys889Asn)

Gene: MARS1 (methionyl-tRNA synthetase 1; plus strand). Cytogenetic location: 12q13.3.
Variant type: single nucleotide variant.
Coding change: c.2667A>C on transcript NM_004990.4 (MANE Select); coding-DNA position 2667, A replaced by C.
Protein change: p.Lys889Asn; replaces lysine 889 with asparagine.
Molecular consequence: missense variant.
Genome position (GRCh38, 1-based): chr12:57,516,545, A>C. VCF-style: chr12-57516545-A-C. GRCh37 (hg19) VCF-style: chr12-57910328-A-C.
Other names: short protein forms K889N.
Identifiers: ClinVar variation 3257273 (VCV003257273.17).

ClinVar aggregate classification (germline): Uncertain significance (1 of 4 stars; one submission).

Submission:

CeGaT Center for Human Genetics Tuebingen
Classification: Uncertain significance. Last evaluated: 2024-07-01. Review status: criteria provided, single submitter. Criteria: CeGaT Center For Human Genetics Tuebingen Variant Classification Criteria Version 2. Collection method: clinical testing. Allele origin: germline. Affected: yes. Observed: 1 variant allele.
Comment: MARS1: PM2, BP4